The following is an entry in ClinVar:

NM_000222.3(KIT):c.1697A>G (p.Asn566Ser)

Gene: KIT (KIT proto-oncogene, receptor tyrosine kinase; plus strand). Cytogenetic location: 4q12.
Variant type: single nucleotide variant.
Coding change: c.1697A>G on transcript NM_000222.3 (MANE Select); coding-DNA position 1697, A replaced by G.
Protein change: p.Asn566Ser; replaces asparagine 566 with serine.
Molecular consequence: missense variant.
Genome position (GRCh38, 1-based): chr4:54,727,465, A>G. VCF-style: chr4-54727465-A-G. GRCh37 (hg19) VCF-style: chr4-55593631-A-G.
Other names: c.1685A>G, p.Asn562Ser (NM_001093772.2, NM_001385286.1); c.1700A>G, p.Asn567Ser (NM_001385284.1, NM_001385290.1); c.1697A>G, p.Asn566Ser (NM_001385285.1); c.1688A>G, p.Asn563Ser (NM_001385288.1, NM_001385292.1); short protein forms N562S, N566S, N563S, N567S.
Identifiers: ClinVar variation 861821 (VCV000861821.12), dbSNP rs1722309800, ClinGen allele CA356907512.

ClinVar aggregate classification (germline): Uncertain significance. Review status: criteria provided, multiple submitters, no conflicts (2 of 4 stars). 2 submissions from 2 submitters: Uncertain significance (2). Last evaluated 2024-02-27.

Conditions:
Hereditary cancer-predisposing syndrome. Also called: Neoplastic Syndromes, Hereditary; Tumor predisposition; Hereditary Cancer Syndrome; Hereditary neoplastic syndrome. Identifiers: Orphanet 140162, MedGen C0027672, MeSH D009386, MONDO:0015356.
Gastrointestinal stromal tumor. Also called: Gastrointestinal stromal tumor, somatic; Gastrointestinal stroma tumor. Identifiers: Orphanet 44890, MedGen C0238198, MeSH D046152, MONDO:0011719, OMIM 606764, HP:0100723.

Allele frequency attached by ClinVar (database versions not stated): gnomAD exomes below 0.00001.
gnomAD v4.1: 1 of 1,614,110 alleles (0.000062%); highest among the groups gnomAD compares: Non-Finnish European, 0.000085%; no homozygotes.

Submissions (2):

Ambry Genetics
Classification: Uncertain significance for Hereditary cancer-predisposing syndrome. Last evaluated: 2024-02-27. Review status: criteria provided, single submitter. Criteria: Ambry Variant Classification Scheme 2023. Collection method: clinical testing. Allele origin: germline.
Comment: The p.N566S variant (also known as c.1697A>G), located in coding exon 11 of the KIT gene, results from an A to G substitution at nucleotide position 1697. The asparagine at codon 566 is replaced by serine, an amino acid with highly similar properties. This amino acid position is highly conserved in available vertebrate species. In addition, the in silico prediction for this alteration is inconclusive. Since supporting evidence is limited at this time, the clinical significance of this alteration remains unclear.

Labcorp Genetics (formerly Invitae), Labcorp
Classification: Uncertain significance for Gastrointestinal stromal tumor. Last evaluated: 2023-12-12. Review status: criteria provided, single submitter. Criteria: Invitae Variant Classification Sherloc (09022015). Collection method: clinical testing. Allele origin: germline.
Comment: This sequence change replaces asparagine, which is neutral and polar, with serine, which is neutral and polar, at codon 566 of the KIT protein (p.Asn566Ser). This variant is not present in population databases (gnomAD no frequency). This variant has not been reported in the literature in individuals affected with KIT-related conditions. ClinVar contains an entry for this variant (Variation ID: 861821). An algorithm developed to predict the effect of missense changes on protein structure and function (PolyPhen-2) suggests that this variant is likely to be disruptive. In summary, the available evidence is currently insufficient to determine the role of this variant in disease. Therefore, it has been classified as a Variant of Uncertain Significance.